The following is an entry in ClinVar:

NM_198859.4(PRICKLE2):c.413A>G (p.Asn138Ser)

Gene: PRICKLE2 (prickle planar cell polarity protein 2; minus strand). Cytogenetic location: 3p14.1.
Variant type: single nucleotide variant.
Coding change: c.413A>G on transcript NM_198859.4 (MANE Select); coding-DNA position 413, A replaced by G.
Protein change: p.Asn138Ser; replaces asparagine 138 with serine.
Molecular consequence: missense variant.
Genome position (GRCh38, 1-based): chr3:64,157,349, T>C on the plus strand (A>G on the coding strand, the complement: PRICKLE2 is on the minus strand). VCF-style: chr3-64157349-T-C. GRCh37 (hg19) VCF-style: chr3-64143025-T-C.
Other names: c.413A>G, p.Asn138Ser (NM_001370528.1); short protein forms N138S.
Identifiers: ClinVar variation 586375 (VCV000586375.11), dbSNP rs1247504361, ClinGen allele CA353435243.

ClinVar aggregate classification (germline): Uncertain significance. Review status: criteria provided, multiple submitters, no conflicts (2 of 4 stars). 2 submissions from 2 submitters: Uncertain significance (2). Last evaluated 2023-06-29.

Conditions:
Progressive myoclonic epilepsy type 5. Identifiers: Orphanet 402082, MedGen C5190799.

Allele frequency attached by ClinVar (database versions not stated): gnomAD 0.00001; gnomAD exomes 0.00001.
gnomAD v4.1: 42 of 1,613,144 alleles (0.0026%); highest among the groups gnomAD compares: East Asian, 0.0089%; no homozygotes.

Submissions (2):

Labcorp Genetics (formerly Invitae), Labcorp
Classification: Uncertain significance for Progressive myoclonic epilepsy type 5. Last evaluated: 2023-06-29. Review status: criteria provided, single submitter. Criteria: Invitae Variant Classification Sherloc (09022015). Collection method: clinical testing. Allele origin: germline.
Comment: This sequence change replaces asparagine, which is neutral and polar, with serine, which is neutral and polar, at codon 138 of the PRICKLE2 protein (p.Asn138Ser). This variant is present in population databases (no rsID available, gnomAD 0.003%). This variant has not been reported in the literature in individuals affected with PRICKLE2-related conditions. ClinVar contains an entry for this variant (Variation ID: 586375). Advanced modeling of protein sequence and biophysical properties (such as structural, functional, and spatial information, amino acid conservation, physicochemical variation, residue mobility, and thermodynamic stability) performed at Invitae indicates that this missense variant is not expected to disrupt PRICKLE2 protein function. In summary, the available evidence is currently insufficient to determine the role of this variant in disease. Therefore, it has been classified as a Variant of Uncertain Significance.

Athena Diagnostics
Classification: Uncertain significance. Last evaluated: 2018-06-14. Review status: criteria provided, single submitter. Criteria: Athena Diagnostics Criteria. Collection method: clinical testing. Allele origin: germline.